The following is an entry in ClinVar:

NM_005559.4(LAMA1):c.3181G>A (p.Gly1061Ser)

Gene: LAMA1 (laminin subunit alpha 1; minus strand). Cytogenetic location: 18p11.31.
Variant type: single nucleotide variant.
Coding change: c.3181G>A on transcript NM_005559.4 (MANE Select); coding-DNA position 3181, G replaced by A.
Protein change: p.Gly1061Ser; replaces glycine 1061 with serine.
Molecular consequence: missense variant.
Genome position (GRCh38, 1-based): chr18:7,013,997, C>T on the plus strand (G>A on the coding strand, the complement: LAMA1 is on the minus strand). VCF-style: chr18-7013997-C-T. GRCh37 (hg19) VCF-style: chr18-7013996-C-T.
Other names: c.3181G>A (NM_005559.3); short protein forms G1061S.
Identifiers: ClinVar variation 1369171 (VCV001369171.6), dbSNP rs768468360, ClinGen allele CA8882362.
Genomic context (GRCh38, chr18:7,013,997, plus strand): 5'-AACCCAAGGAACACTGATCGCAGGCCCGGCCACCAAATTTTGACTTGCACTGGCAATGGC[C>T]GGTGACCACATCGCACCGATGATGAGTCGACCCCACGAGACTGCAATTGCAGGCCTGAGA-3'
Protein context (NP_005550.2, residues 1051-1071): STHHRCDVVT[Gly1061Ser]HCQCKSKFGG

ClinVar aggregate classification (germline): Uncertain significance. Review status: criteria provided, multiple submitters, no conflicts (2 of 4 stars). 2 submissions from 2 submitters: Uncertain significance (2). Last evaluated 2025-09-24.

Conditions:
Inborn genetic diseases. Identifiers: MedGen C0950123, MeSH D030342.

Allele frequency attached by ClinVar (database versions not stated): gnomAD exomes below 0.00001 and 0.00001; TOPMed below 0.00001; ExAC 0.00001; gnomAD 0.00001.
gnomAD v4.1: 18 of 1,613,798 alleles (0.0011%); highest among the groups gnomAD compares: East Asian, 0.0067%; no homozygotes.

Submissions (2):

Labcorp Genetics (formerly Invitae), Labcorp
Classification: Uncertain significance. Last evaluated: 2025-09-24. Review status: criteria provided, single submitter. Criteria: Invitae Variant Classification Sherloc (09022015). Collection method: clinical testing. Allele origin: germline.
Comment: This sequence change replaces glycine, which is neutral and non-polar, with serine, which is neutral and polar, at codon 1061 of the LAMA1 protein (p.Gly1061Ser). This variant is present in population databases (rs768468360, gnomAD 0.0009%). This variant has not been reported in the literature in individuals affected with LAMA1-related conditions. ClinVar contains an entry for this variant (Variation ID: 1369171). Invitae Evidence Modeling of protein sequence and biophysical properties (such as structural, functional, and spatial information, amino acid conservation, physicochemical variation, residue mobility, and thermodynamic stability) indicates that this missense variant is not expected to disrupt LAMA1 protein function with a negative predictive value of 80%. In summary, the available evidence is currently insufficient to determine the role of this variant in disease. Therefore, it has been classified as a Variant of Uncertain Significance.

Ambry Genetics
Classification: Uncertain significance for Inborn genetic diseases. Last evaluated: 2024-10-08. Review status: criteria provided, single submitter. Criteria: Ambry Variant Classification Scheme 2023. Collection method: clinical testing. Allele origin: germline.